The following is an entry in ClinVar:

NM_198173.3(GRHL3):c.1288G>A (p.Val430Ile)

Gene: GRHL3 (grainyhead like transcription factor 3; plus strand). Cytogenetic location: 1p36.11.
Variant type: single nucleotide variant.
Coding change: c.1288G>A on transcript NM_198173.3 (MANE Select); coding-DNA position 1288, G replaced by A.
Protein change: p.Val430Ile; replaces valine 430 with isoleucine.
Molecular consequence: missense variant.
Genome position (GRCh38, 1-based): chr1:24,342,894, G>A. VCF-style: chr1-24342894-G-A. GRCh37 (hg19) VCF-style: chr1-24669384-G-A.
Other names: c.1150G>A, p.Val384Ile (NM_001195010.2); c.1303G>A, p.Val435Ile (NM_021180.4); c.1288G>A, p.Val430Ile (NM_198174.3); short protein forms V384I, V430I, V435I.
Identifiers: ClinVar variation 3282677 (VCV003282677.2).

ClinVar aggregate classification (germline): Conflicting classifications of pathogenicity. Review status: criteria provided, conflicting classifications (1 of 4 stars). 2 submissions from 2 submitters: Uncertain significance (1); Likely benign (1). Last evaluated 2026-01-14.

Conditions:
Van der Woude syndrome 2 (VWS2). Identifiers: Orphanet 888, MedGen C1847604, MONDO:0011712, OMIM 606713.
Inborn genetic diseases. Identifiers: MedGen C0950123, MeSH D030342.

gnomAD v4.1: 123 of 1,614,190 alleles (0.0076%); highest among the groups gnomAD compares: African/African-American, 0.025%; no homozygotes.

Submissions (2):

Labcorp Genetics (formerly Invitae), Labcorp
Classification: Uncertain significance for Van der Woude syndrome 2. Last evaluated: 2026-01-14. Review status: criteria provided, single submitter. Criteria: Invitae Variant Classification Sherloc (09022015). Collection method: clinical testing. Allele origin: germline.
Comment: This sequence change replaces valine, which is neutral and non-polar, with isoleucine, which is neutral and non-polar, at codon 430 of the GRHL3 protein (p.Val430Ile). This variant is present in population databases (rs199801227, gnomAD 0.03%). This variant has not been reported in the literature in individuals affected with GRHL3-related conditions. ClinVar contains an entry for this variant (Variation ID: 3282677). An algorithm developed to predict the effect of missense changes on protein structure and function outputs the following: PolyPhen-2: "Benign". The isoleucine amino acid residue is found in multiple mammalian species, which suggests that this missense change does not adversely affect protein function. In summary, the available evidence is currently insufficient to determine the role of this variant in disease. Therefore, it has been classified as a Variant of Uncertain Significance.

Ambry Genetics
Classification: Likely benign for Inborn genetic diseases. Last evaluated: 2024-05-08. Review status: criteria provided, single submitter. Criteria: Ambry Variant Classification Scheme 2023. Collection method: clinical testing. Allele origin: germline.